The following is an entry in ClinVar:

ClinVar aggregate classification (germline): Uncertain significance. Review status: criteria provided, multiple submitters, no conflicts (2 of 4 stars). 3 submissions from 3 submitters: Uncertain significance (3). Last evaluated 2024-02-23.

Allele frequency attached by ClinVar (database versions not stated): gnomAD 0.00001; TOPMed 0.00002; ExAC 0.00004.
gnomAD v4.1: 39 of 1,558,758 alleles (0.0025%); highest among the groups gnomAD compares: Middle Eastern, 0.017%; no homozygotes.

Submissions (3):

Labcorp Genetics (formerly Invitae), Labcorp
Classification: Uncertain significance. Last evaluated: 2024-02-23. Review status: criteria provided, single submitter. Criteria: Invitae Variant Classification Sherloc (09022015). Collection method: clinical testing. Allele origin: germline.
Comment: This sequence change replaces cysteine, which is neutral and slightly polar, with phenylalanine, which is neutral and non-polar, at codon 8 of the RARS protein (p.Cys8Phe). The frequency data for this variant in the population databases is considered unreliable, as metrics indicate poor data quality at this position in the gnomAD database. This variant has not been reported in the literature in individuals affected with RARS-related conditions. ClinVar contains an entry for this variant (Variation ID: 1680403). An algorithm developed to predict the effect of missense changes on protein structure and function (PolyPhen-2) suggests that this variant¬†is likely to be tolerated. In summary, the available evidence is currently insufficient to determine the role of this variant in disease. Therefore, it has been classified as a Variant of Uncertain Significance.

Blueprint Genetics
Classification: Uncertain significance. Last evaluated: 2023-11-17. Review status: criteria provided, single submitter. Criteria: ACMG Guidelines, 2015. Collection method: clinical testing. Allele origin: germline.

GeneDx
Classification: Uncertain significance. Last evaluated: 2022-09-26. Review status: criteria provided, single submitter. Criteria: GeneDx Variant Classification Process June 2021. Collection method: clinical testing. Allele origin: germline. Affected: yes.
Comment: Not observed at significant frequency in large population cohorts (gnomAD); In silico analysis supports that this missense variant does not alter protein structure/function; Has not been previously published as pathogenic or benign to our knowledge

NM_002887.4(RARS1):c.23G>T (p.Cys8Phe)

Gene: RARS1 (arginyl-tRNA synthetase 1; plus strand). Cytogenetic location: 5q34.
Variant type: single nucleotide variant.
Coding change: c.23G>T on transcript NM_002887.4 (MANE Select); coding-DNA position 23, G replaced by T.
Protein change: p.Cys8Phe; replaces cysteine 8 with phenylalanine.
Molecular consequence: missense variant.
Genome position (GRCh38, 1-based): chr5:168,486,521, G>T. VCF-style: chr5-168486521-G-T. GRCh37 (hg19) VCF-style: chr5-167913526-G-T.
Other names: c.23G>T (NM_002887.3); short protein forms C8F.
Identifiers: ClinVar variation 1680403 (VCV001680403.10), dbSNP rs779497127, ClinGen allele CA3549479.